The following is an entry in ClinVar:

ClinVar aggregate classification (germline): Uncertain significance (1 of 4 stars; one submission).

Conditions:
Pitt-Hopkins syndrome (PTHS). Also called: ENCEPHALOPATHY, SEVERE EPILEPTIC, WITH AUTONOMIC DYSFUNCTION; MENTAL RETARDATION, SYNDROMAL, WITH INTERMITTENT HYPERVENTILATION. Identifiers: Orphanet 2896, MedGen C1970431, MONDO:0012589, OMIM 610954.

Submission:

Labcorp Genetics (formerly Invitae), Labcorp
Classification: Uncertain significance for Pitt-Hopkins syndrome. Last evaluated: 2024-03-27. Review status: criteria provided, single submitter. Criteria: Invitae Variant Classification Sherloc (09022015). Collection method: clinical testing. Allele origin: germline.
Comment: This sequence change replaces proline, which is neutral and non-polar, with leucine, which is neutral and non-polar, at codon 299 of the TCF4 protein (p.Pro299Leu). This variant is not present in population databases (gnomAD no frequency). This variant has not been reported in the literature in individuals affected with TCF4-related conditions. Advanced modeling of protein sequence and biophysical properties (such as structural, functional, and spatial information, amino acid conservation, physicochemical variation, residue mobility, and thermodynamic stability) has been performed at Invitae for this missense variant, however the output from this modeling did not meet the statistical confidence thresholds required to predict the impact of this variant on TCF4 protein function. In summary, the available evidence is currently insufficient to determine the role of this variant in disease. Therefore, it has been classified as a Variant of Uncertain Significance.

NM_001083962.2(TCF4):c.896C>T (p.Pro299Leu)

Genes: TCF4 (transcription factor 4; minus strand), LOC126862757 (CDK7 strongly-dependent group 2 enhancer GRCh37_chr18:52936433-52937632; plus strand). Cytogenetic location: 18q21.2.
Variant type: single nucleotide variant.
Coding change: c.896C>T on transcript NM_001083962.2 (MANE Select); coding-DNA position 896, C replaced by T.
Protein change: p.Pro299Leu; replaces proline 299 with leucine.
Molecular consequence: missense variant.
Genome position (GRCh38, 1-based): chr18:55,269,857, G>A on the plus strand (C>T on the coding strand, the complement: TCF4 is on the minus strand). VCF-style: chr18-55269857-G-A. GRCh37 (hg19) VCF-style: chr18-52937088-G-A.
Other names: c.416C>T, p.Pro139Leu (NM_001243236.2, NM_001348214.2, NM_001348216.2 and 2 more transcripts); c.824C>T, p.Pro275Leu (NM_001306207.1, NM_001369577.1, NM_001369579.1 and 9 more transcripts); c.683C>T, p.Pro228Leu (NM_001306208.1, NM_001243232.1); c.896C>T, p.Pro299Leu (NM_001330604.3, NM_003199.3, NM_001369567.1 and 4 more transcripts); c.506C>T, p.Pro169Leu (NM_001330605.3, NM_001348212.2, NM_001348213.2 and 1 more transcripts); c.770C>T, p.Pro257Leu (NM_001348211.2, NM_001243231.2); c.821C>T, p.Pro274Leu (NM_001369576.1, NM_001369578.1, NM_001369581.1 and 3 more transcripts); c.893C>T, p.Pro298Leu (NM_001369569.1, NM_001369570.1, NM_001369573.1); and 4 more; short protein forms P228L, P275L, P297L, P305L, P257L, P298L, P299L, P83L.
Identifiers: ClinVar variation 3647813 (VCV003647813.2).